The following is an entry in ClinVar:

NM_001267550.2(TTN):c.106531G>T (p.Ala35511Ser)

Genes: TTN-AS1 (TTN antisense RNA 1; plus strand), TTN (titin; minus strand). Cytogenetic location: 2q31.2.
Variant type: single nucleotide variant.
Coding change: c.106531G>T on transcript NM_001267550.2 (MANE Select); coding-DNA position 106531, G replaced by T.
Protein change: p.Ala35511Ser; replaces alanine 35511 with serine.
Molecular consequence: missense variant.
Genome position (GRCh38, 1-based): chr2:178,529,960, C>A on the plus strand (G>T on the coding strand, the complement: TTN is on the minus strand). VCF-style: chr2-178529960-C-A. GRCh37 (hg19) VCF-style: chr2-179394687-C-A.
Other names: c.101608G>T, p.Ala33870Ser (NM_001256850.1); c.79336G>T, p.Ala26446Ser (NM_003319.4); c.98827G>T, p.Ala32943Ser (NM_133378.4); c.79711G>T, p.Ala26571Ser (NM_133432.3); c.79912G>T, p.Ala26638Ser (NM_133437.4); short protein forms A26446S, A26571S, A26638S, A32943S, A33870S, A35511S.
Identifiers: ClinVar variation 3762437 (VCV003762437.2).
Genomic context (GRCh38, chr2:178,529,960, plus strand): 5'-AAAATATTTCCCTAATATTATCTTCTGAAGAAATGTGGGTAAAAACAAAAGCCAACCTAC[C>A]TTTTATTGTTAATTTGCAGCTAGAGGACACAGATCCAGCTGAATTTTTTACTGTACAAGT-3'
Protein context (NP_001254479.2, residues 35501-35521): VSSSCKLTIK[Ala35511Ser]IKDTEAQKVS

ClinVar aggregate classification (germline): Likely pathogenic (1 of 4 stars; one submission).

Conditions:
Autosomal recessive limb-girdle muscular dystrophy type 2J (LGMDR10). Also called: Limb-girdle muscular dystrophy, type 2J; MUSCULAR DYSTROPHY, LIMB-GIRDLE, AUTOSOMAL RECESSIVE 10. Identifiers: Orphanet 140922, MedGen C1837342, MONDO:0012127, OMIM 608807.
Dilated cardiomyopathy 1G (CMD1G). Identifiers: Orphanet 154, MedGen C1858763, MONDO:0011400, OMIM 604145.

gnomAD v4.1: 2 of 1,587,278 alleles (0.00013%); highest among the groups gnomAD compares: Middle Eastern, 0.033%; no homozygotes.

Submission:

Labcorp Genetics (formerly Invitae), Labcorp
Classification: Likely pathogenic for Dilated cardiomyopathy 1G; Autosomal recessive limb-girdle muscular dystrophy type 2J. Last evaluated: 2024-07-31. Review status: criteria provided, single submitter. Criteria: Invitae Variant Classification Sherloc (09022015). Collection method: clinical testing. Allele origin: germline.
Comment: This sequence change replaces alanine, which is neutral and non-polar, with serine, which is neutral and polar, at codon 35511 of the TTN protein (p.Ala35511Ser). This variant also falls at the last nucleotide of exon 359, which is part of the consensus splice site for this exon. This variant is not present in population databases (gnomAD no frequency). This missense change has been observed in individual(s) with clinical features of limb-girdle muscular dystrophy (Invitae). It has also been observed to segregate with disease in related individuals. Experimental studies and prediction algorithms are not available or were not evaluated, and the functional significance of this variant is currently unknown. Variants that disrupt the consensus splice site are a relatively common cause of aberrant splicing (PMID: 17576681, 9536098). Algorithms developed to predict the effect of sequence changes on RNA splicing suggest that this variant may disrupt the consensus splice site. This variant is located in the M band of TTN (PMID: 25589632). Non-truncating variants in this region may be relevant for neuromuscular disorders, but have not been definitively shown to cause cardiomyopathy (PMID: 23975875). This variant disrupts the c.106531G nucleotide in the TTN gene. Other variant(s) that disrupt this nucleotide have been determined to be pathogenic (PMID: 33127292, 34440373). This suggests that this nucleotide is clinically significant, and that variants that disrupt this position are likely to be disease-causing. In summary, the currently available evidence indicates that the variant is pathogenic, but additional data are needed to prove that conclusively. Therefore, this variant has been classified as Likely Pathogenic.

Literature cited by the submitters: PubMed 17576681; PubMed 9536098; PubMed 25589632; PubMed 23975875; PubMed 33127292; PubMed 34440373.